The following is an entry in ClinVar:

ClinVar aggregate classification (germline): Likely benign (1 of 4 stars; one submission).

Allele frequency attached by ClinVar (database versions not stated): 1000 Genomes Project 0.00399; 1000 Genomes Project 30x 0.00437; ESP Exome Variant Server 0.00654.
gnomAD v4.1: 11,032 of 1,613,996 alleles (0.68%); highest among the groups gnomAD compares: Middle Eastern, 0.86%; 73 homozygotes.

Submission:

CeGaT Center for Human Genetics Tuebingen
Classification: Likely benign. Last evaluated: 2025-07-01. Review status: criteria provided, single submitter. Criteria: CeGaT Center For Human Genetics Tuebingen Variant Classification Criteria Version 2. Collection method: clinical testing. Allele origin: germline. Affected: yes. Observed: 4 variant alleles.
Comment: HCLS1: BP4, BS2

NM_005335.6(HCLS1):c.496G>A (p.Asp166Asn)

Gene: HCLS1 (hematopoietic cell-specific Lyn substrate 1; minus strand). Cytogenetic location: 3q13.33.
Variant type: single nucleotide variant.
Coding change: c.496G>A on transcript NM_005335.6 (MANE Select); coding-DNA position 496, G replaced by A.
Protein change: p.Asp166Asn; replaces aspartic acid 166 with asparagine.
Molecular consequence: missense variant. On other transcripts: intron variant (1).
Genome position (GRCh38, 1-based): chr3:121,637,215, C>T on the plus strand (G>A on the coding strand, the complement: HCLS1 is on the minus strand). VCF-style: chr3-121637215-C-T. GRCh37 (hg19) VCF-style: chr3-121356062-C-T.
Other names: c.455-726G>A (NM_001292041.2); short protein forms D166N.
Identifiers: ClinVar variation 2654068 (VCV002654068.24), dbSNP rs34767273, ClinGen allele CA2565090.